The following is an entry in ClinVar:

ClinVar aggregate classification (germline): Uncertain significance (1 of 4 stars; one submission).

Conditions:
Kabuki syndrome. Also called: Kabuki make-up syndrome; NIIKAWA-KUROKI SYNDROME. Identifiers: Orphanet 2322, MedGen C0796004, MONDO:0016512.

Submission:

Labcorp Genetics (formerly Invitae), Labcorp
Classification: Uncertain significance for Kabuki syndrome. Last evaluated: 2023-10-05. Review status: criteria provided, single submitter. Criteria: Invitae Variant Classification Sherloc (09022015). Collection method: clinical testing. Allele origin: germline.
Comment: This sequence change replaces alanine, which is neutral and non-polar, with valine, which is neutral and non-polar, at codon 4224 of the KMT2D protein (p.Ala4224Val). This variant is not present in population databases (gnomAD no frequency). This variant has not been reported in the literature in individuals affected with KMT2D-related conditions. Advanced modeling of protein sequence and biophysical properties (such as structural, functional, and spatial information, amino acid conservation, physicochemical variation, residue mobility, and thermodynamic stability) performed at Invitae indicates that this missense variant is not expected to disrupt KMT2D protein function. In summary, the available evidence is currently insufficient to determine the role of this variant in disease. Therefore, it has been classified as a Variant of Uncertain Significance.

NM_003482.4(KMT2D):c.12671C>T (p.Ala4224Val)

Gene: KMT2D (lysine methyltransferase 2D; minus strand). Cytogenetic location: 12q13.12.
Variant type: single nucleotide variant.
Coding change: c.12671C>T on transcript NM_003482.4 (MANE Select); coding-DNA position 12671, C replaced by T.
Protein change: p.Ala4224Val; replaces alanine 4224 with valine.
Molecular consequence: missense variant.
Genome position (GRCh38, 1-based): chr12:49,032,034, G>A on the plus strand (C>T on the coding strand, the complement: KMT2D is on the minus strand). VCF-style: chr12-49032034-G-A. GRCh37 (hg19) VCF-style: chr12-49425817-G-A.
Other names: short protein forms A4224V.
Identifiers: ClinVar variation 2994674 (VCV002994674.3), dbSNP rs1045719006, ClinGen allele CA236639274.